The following is an entry in ClinVar:

ClinVar aggregate classification (germline): Uncertain significance (1 of 4 stars; one submission).

Submission:

Labcorp Genetics (formerly Invitae), Labcorp
Classification: Uncertain significance. Last evaluated: 2024-01-05. Review status: criteria provided, single submitter. Criteria: Invitae Variant Classification Sherloc (09022015). Collection method: clinical testing. Allele origin: germline.
Comment: This sequence change replaces lysine, which is basic and polar, with arginine, which is basic and polar, at codon 604 of the LZTR1 protein (p.Lys604Arg). This variant is not present in population databases (gnomAD no frequency). This variant has not been reported in the literature in individuals affected with LZTR1-related conditions. Advanced modeling of protein sequence and biophysical properties (such as structural, functional, and spatial information, amino acid conservation, physicochemical variation, residue mobility, and thermodynamic stability) performed at Invitae indicates that this missense variant is not expected to disrupt LZTR1 protein function with a negative predictive value of 80%. In summary, the available evidence is currently insufficient to determine the role of this variant in disease. Therefore, it has been classified as a Variant of Uncertain Significance.

NM_006767.4(LZTR1):c.1811A>G (p.Lys604Arg)

Gene: LZTR1 (leucine zipper like post translational regulator 1; plus strand). Cytogenetic location: 22q11.21.
Variant type: single nucleotide variant.
Coding change: c.1811A>G on transcript NM_006767.4 (MANE Select); coding-DNA position 1811, A replaced by G.
Protein change: p.Lys604Arg; replaces lysine 604 with arginine.
Molecular consequence: missense variant.
Genome position (GRCh38, 1-based): chr22:20,994,895, A>G. VCF-style: chr22-20994895-A-G. GRCh37 (hg19) VCF-style: chr22-21349184-A-G.
Other names: short protein forms K604R.
Identifiers: ClinVar variation 2707781 (VCV002707781.3), dbSNP rs1212604192, ClinGen allele CA410778503.